The following is an entry in ClinVar:

ClinVar aggregate classification (germline): Conflicting classifications of pathogenicity. Review status: criteria provided, conflicting classifications (1 of 4 stars). 3 submissions from 3 submitters: Likely pathogenic (1); Uncertain significance (1). 1 of the submissions does not count toward it. Last evaluated 2024-11-21.

Conditions:
Niemann-Pick disease, type B. Also called: Chronic Visceral ASMD (Niemann-Pick Disease Type B; NPD-B). Identifiers: Orphanet 77293, MedGen C0268243, MONDO:0011871, OMIM 607616. Disease mechanism: loss of function.
Niemann-Pick disease, type A. Also called: SPHINGOMYELIN LIPIDOSIS; SPHINGOMYELINASE DEFICIENCY; Infantile Neurovisceral ASMD (Niemann-Pick Disease Type A; NPD-A). Identifiers: Orphanet 77292, MedGen C0268242, MONDO:0009756, OMIM 257200. Disease mechanism: loss of function.

Allele frequency attached by ClinVar (database versions not stated): gnomAD exomes below 0.00001.

Submissions (3):

Labcorp Genetics (formerly Invitae), Labcorp
Classification: Likely pathogenic for Niemann-Pick disease, type B; Niemann-Pick disease, type A. Last evaluated: 2024-11-21. Review status: criteria provided, single submitter. Criteria: Invitae Variant Classification Sherloc (09022015). Collection method: clinical testing. Allele origin: germline.
Comment: This sequence change replaces tryptophan, which is neutral and slightly polar, with serine, which is neutral and polar, at codon 573 of the SMPD1 protein (p.Trp573Ser). This variant is not present in population databases (gnomAD no frequency). This missense change has been observed in individuals with clinical features of Niemann-Pick disease (PMID: 32292456; internal data). ClinVar contains an entry for this variant (Variation ID: 1526024). Invitae Evidence Modeling of protein sequence and biophysical properties (such as structural, functional, and spatial information, amino acid conservation, physicochemical variation, residue mobility, and thermodynamic stability) has been performed for this missense variant. However, the output from this modeling did not meet the statistical confidence thresholds required to predict the impact of this variant on SMPD1 protein function. In summary, the currently available evidence indicates that the variant is pathogenic, but additional data are needed to prove that conclusively. Therefore, this variant has been classified as Likely Pathogenic.

3billion
Classification: Uncertain significance for Niemann-Pick disease, type A. Last evaluated: 2022-03-22. Review status: criteria provided, single submitter. Criteria: ACMG Guidelines, 2015. Collection method: clinical testing. Allele origin: germline. Affected: yes. Observed: 1 homozygote.
Comment: Same or different nucleotide change resulting in same amino acid change has been previously reported to be associated with SMPD1 related disorder (PMID:32292456). It is not observed in the gnomAD v2.1.1 dataset. In silico tool predictions suggest damaging effect of the variant on gene or gene product (REVEL: 0.874>=0.6, 3CNET: 0.972>=0.75). Therefore, this variant is classified as uncertain significance according to the recommendation of ACMG/AMP guideline.

Genetics Laboratory, University of Sistan and Baluchestan
Classification: Likely pathogenic for Niemann-Pick disease, type A. Review status: no assertion criteria provided. Collection method: clinical testing. Allele origin: germline. Inheritance: Autosomal recessive inheritance. Affected: yes. Observed: 1 homozygote. Not counted in ClinVar's aggregate classification.

Literature cited by the submitters: PubMed 32292456 (cited by Labcorp Genetics (formerly Invitae), Labcorp and 3billion); DOI 10.3390/ijms16046668 (cited by Genetics Laboratory, University of Sistan and Baluchestan); DOI 10.1002/humu.21018 (cited by Genetics Laboratory, University of Sistan and Baluchestan); DOI 10.1016/j.ymgme.2008.08.004 (cited by Genetics Laboratory, University of Sistan and Baluchestan).

NM_000543.5(SMPD1):c.1718G>C (p.Trp573Ser)

Gene: SMPD1 (sphingomyelin phosphodiesterase 1; plus strand). Cytogenetic location: 11p15.4.
Variant type: single nucleotide variant.
Coding change: c.1718G>C on transcript NM_000543.5 (MANE Select); coding-DNA position 1718, G replaced by C.
Protein change: p.Trp573Ser; replaces tryptophan 573 with serine.
Molecular consequence: missense variant. On other transcripts: 3 prime UTR variant (1), non-coding transcript variant (2).
Genome position (GRCh38, 1-based): chr11:6,394,429, G>C. VCF-style: chr11-6394429-G-C. GRCh37 (hg19) VCF-style: chr11-6415659-G-C.
Other names: c.1715G>C, p.Trp572Ser (NM_001007593.3); c.*211G>C (NM_001318087.2); c.797G>C, p.Trp266Ser (NM_001318088.2); c.1586G>C, p.Trp529Ser (NM_001365135.2); short protein forms W266S, W529S, W572S, W573S.
Identifiers: ClinVar variation 1526024 (VCV001526024.33), dbSNP rs2134024060, ClinGen allele CA379376880.